The following is an entry in ClinVar:

NM_003001.5(SDHC):c.139G>A (p.Gly47Ser)

Gene: SDHC (succinate dehydrogenase complex subunit C; plus strand). Cytogenetic location: 1q23.3.
Variant type: single nucleotide variant.
Coding change: c.139G>A on transcript NM_003001.5 (MANE Select); coding-DNA position 139, G replaced by A.
Protein change: p.Gly47Ser; replaces glycine 47 with serine.
Molecular consequence: missense variant. On other transcripts: non-coding transcript variant (1), intron variant (4).
Genome position (GRCh38, 1-based): chr1:161,328,457, G>A. VCF-style: chr1-161328457-G-A. GRCh37 (hg19) VCF-style: chr1-161298247-G-A.
Other names: c.139G>A, p.Gly47Ser (NM_001035511.3, NM_001407115.1); c.82G>A, p.Gly28Ser (NM_001407116.1, NM_001407117.1, NM_001407121.1); c.28G>A, p.Gly10Ser (NM_001407119.1, NM_001407120.1); c.77+4787G>A (NM_001035512.3, NM_001278172.3, NM_001407118.1); c.21-12137G>A (NM_001035513.3); short protein forms G10S, G47S, G28S.
Identifiers: ClinVar variation 2097440 (VCV002097440.4), dbSNP rs1222718805, ClinGen allele CA343361178.
Genomic context (GRCh38, chr1:161,328,457, plus strand): 5'-GCTGTTCCTTTGGGAACCACGGCCAAAGAAGAGATGGAGCGGTTCTGGAATAAGAATATA[G>A]GTTCAAACCGTCCTCTGTCTCCCCACATTACTATCTACAGGTAAGGAAGGATTCTGGAGC-3'
Protein context (NP_002992.1, residues 37-57): EMERFWNKNI[Gly47Ser]SNRPLSPHIT

ClinVar aggregate classification (germline): Uncertain significance (1 of 4 stars; one submission).

Conditions:
Pheochromocytoma/paraganglioma syndrome 3. Also called: GLOMUS TUMORS, FAMILIAL, 3; Paragangliomas 3; SDHC-Related Hereditary Paraganglioma-Pheochromocytoma Syndrome (Paragangliomas 3); SDHC-Related Hereditary Paraganglioma-Pheochromocytoma Syndrome. Identifiers: Orphanet 29072, MedGen C1854336, MONDO:0011544, OMIM 605373.
Gastrointestinal stromal tumor. Also called: Gastrointestinal stroma tumor; Gastrointestinal stromal tumor, somatic. Identifiers: Orphanet 44890, MedGen C0238198, MeSH D046152, MONDO:0011719, OMIM 606764, HP:0100723.

Submission:

Labcorp Genetics (formerly Invitae), Labcorp
Classification: Uncertain significance for Pheochromocytoma/paraganglioma syndrome 3; Gastrointestinal stromal tumor. Last evaluated: 2025-04-07. Review status: criteria provided, single submitter. Criteria: Invitae Variant Classification Sherloc (09022015). Collection method: clinical testing. Allele origin: germline.
Comment: This sequence change replaces glycine, which is neutral and non-polar, with serine, which is neutral and polar, at codon 47 of the SDHC protein (p.Gly47Ser). This variant is not present in population databases (gnomAD no frequency). This variant has not been reported in the literature in individuals affected with SDHC-related conditions. ClinVar contains an entry for this variant (Variation ID: 2097440). An algorithm developed to predict the effect of missense changes on protein structure and function outputs the following: PolyPhen-2: "Benign". The serine amino acid residue is found in multiple mammalian species, which suggests that this missense change does not adversely affect protein function. In summary, the available evidence is currently insufficient to determine the role of this variant in disease. Therefore, it has been classified as a Variant of Uncertain Significance.